The following is an entry in ClinVar:

NM_000317.3(PTS):c.31C>G (p.Gln11Glu)

Genes: PTS (6-pyruvoyltetrahydropterin synthase; plus strand), LOC130006765 (ATAC-STARR-seq lymphoblastoid silent region 3906; plus strand). Cytogenetic location: 11q23.1.
Variant type: single nucleotide variant.
Coding change: c.31C>G on transcript NM_000317.3 (MANE Select); coding-DNA position 31, C replaced by G.
Protein change: p.Gln11Glu; replaces glutamine 11 with glutamic acid.
Molecular consequence: missense variant.
Genome position (GRCh38, 1-based): chr11:112,226,474, C>G. VCF-style: chr11-112226474-C-G. GRCh37 (hg19) VCF-style: chr11-112097197-C-G.
Other names: short protein forms Q11E.
Identifiers: ClinVar variation 3628779 (VCV003628779.2).

ClinVar aggregate classification (germline): Uncertain significance (1 of 4 stars; one submission).

Conditions:
6-Pyruvoyl-tetrahydrobiopterin synthase deficiency. Also called: 6-Pyruvoyltetrahydropterin Synthase Deficiency; HYPERPHENYLALANINEMIA, TETRAHYDROBIOPTERIN-DEFICIENT, DUE TO PTS DEFICIENCY; Hyperphenylalanemia, BH4-deficient, A; Hyperphenylalaninemia due to 6-pyruvoyl-tetrahydropterin synthase deficiency; PTS-Related Tetrahydrobiopterin Deficiency; PTS DEFICIENCY. Identifiers: Orphanet 13, Orphanet 238583, MedGen C0878676, MONDO:0009863, OMIM 261640.

gnomAD v4.1: 2 of 1,582,080 alleles (0.00013%); highest among the groups gnomAD compares: Admixed American, 0.0019%; no homozygotes.

Submission:

Labcorp Genetics (formerly Invitae), Labcorp
Classification: Uncertain significance for 6-Pyruvoyl-tetrahydrobiopterin synthase deficiency. Last evaluated: 2025-04-02. Review status: criteria provided, single submitter. Criteria: Invitae Variant Classification Sherloc (09022015). Collection method: clinical testing. Allele origin: germline.
Comment: This sequence change replaces glutamine, which is neutral and polar, with glutamic acid, which is acidic and polar, at codon 11 of the PTS protein (p.Gln11Glu). This variant is not present in population databases (gnomAD no frequency). This missense change has been observed in individual(s) with PTPS deficiency (internal data). In at least one individual the data is consistent with being in trans (on the opposite chromosome) from a pathogenic variant. ClinVar contains an entry for this variant (Variation ID: 3628779). An algorithm developed to predict the effect of missense changes on protein structure and function (PolyPhen-2) suggests that this variant is likely to be tolerated. In summary, the available evidence is currently insufficient to determine the role of this variant in disease. Therefore, it has been classified as a Variant of Uncertain Significance.